The following is an entry in ClinVar:

NM_000138.5(FBN1):c.3193del (p.Glu1065fs)

Gene: FBN1 (fibrillin 1; minus strand). Cytogenetic location: 15q21.1.
Variant type: Deletion.
Coding change: c.3193del on transcript NM_000138.5 (MANE Select); coding-DNA position 3193, one base deleted (G; older notation c.3193delG).
Protein change: p.Glu1065fs; shifts the reading frame from glutamic acid 1065.
Molecular consequence: frameshift variant.
Genome position (GRCh38, 1-based): chr15:48,488,383, C deleted on the plus strand (G on the coding strand, the reverse complement: FBN1 is on the minus strand). VCF-style (leftmost placement, unchanged base first): chr15-48488382-TC-T. GRCh37 (hg19) VCF-style: chr15-48780579-TC-T.
Other names: c.3193delG (NM_000138.4); short protein forms E1065fs.
Identifiers: ClinVar variation 36064 (VCV000036064.13), dbSNP rs193922198, ClinGen allele CA013866.
Genomic context (GRCh38, chr15:48,488,382, plus strand): 5'-TTTAAAGGACGTCCCCTCTCCTGGCCCTTAAGGCTCATTAACTGACCTGTGCAGTTCCTT[TC>T]TTCAGAATCAAGAGCAAAGCCGCTGTCACACCTGCACTTAAAGCTGCCAATGGTGTTTCT-3'

ClinVar aggregate classification (germline): Pathogenic/Likely pathogenic. Review status: criteria provided, multiple submitters, no conflicts (2 of 4 stars). 4 submissions from 4 submitters: Pathogenic (1); Likely pathogenic (2). 1 of the submissions does not count toward it. Last evaluated 2024-04-09.

Conditions:
Familial thoracic aortic aneurysm and aortic dissection (TAAD). Also called: Thoracic aortic aneurysms and dissections. Identifiers: Orphanet 91387, MedGen C4707243, MONDO:0019625.
Marfan syndrome (MFS). Also called: FBN1-Related Marfan Syndrome; Marfan syndrome type 1; Marfan's syndrome; Marfan syndrome, classic; MARFAN SYNDROME, TYPE I. Identifiers: Orphanet 284963, Orphanet 558, MedGen C0024796, MONDO:0007947, OMIM 154700.

Submissions (4):

Labcorp Genetics (formerly Invitae), Labcorp
Classification: Pathogenic for Marfan syndrome; Familial thoracic aortic aneurysm and aortic dissection. Last evaluated: 2024-04-09. Review status: criteria provided, single submitter. Criteria: Invitae Variant Classification Sherloc (09022015). Collection method: clinical testing. Allele origin: germline.
Comment: This sequence change creates a premature translational stop signal (p.Glu1065Lysfs*23) in the FBN1 gene. It is expected to result in an absent or disrupted protein product. Loss-of-function variants in FBN1 are known to be pathogenic (PMID: 17657824, 19293843). This variant is not present in population databases (gnomAD no frequency). This premature translational stop signal has been observed in individual(s) with Marfan syndrome (PMID: 24793577, 26188975). ClinVar contains an entry for this variant (Variation ID: 36064). For these reasons, this variant has been classified as Pathogenic.

Women's Health and Genetics/Laboratory Corporation of America, LabCorp
Classification: Likely pathogenic for Marfan Syndrome. Last evaluated: 2011-08-18. Review status: criteria provided, single submitter. Criteria: LabCorp Variant Classification Summary - May 2015. Collection method: curation, clinical testing. Allele origin: germline. Inheritance: autosomal unknown. Affected: yes.
ClinVar note: Converted during submission from likely pathogenic to Likely pathogenic.

Laboratory for Molecular Medicine, Mass General Brigham Personalized Medicine
Classification: Likely pathogenic for Marfan syndrome. Last evaluated: 2008-09-18. Review status: criteria provided, single submitter. Criteria: LMM Criteria. Collection method: clinical testing. Allele origin: germline. Observed: 1 variant allele.

Centre for Genomic and Experimental Medicine, University of Edinburgh
Classification: Pathogenic for Familial thoracic aortic aneurysm and aortic dissection. Review status: no assertion criteria provided. Collection method: research. Allele origin: unknown. Affected: yes. Not counted in ClinVar's aggregate classification.

Literature cited by the submitters: PubMed 17657824 (cited by Labcorp Genetics (formerly Invitae), Labcorp); PubMed 19293843 (cited by Labcorp Genetics (formerly Invitae), Labcorp); PubMed 24793577 (cited by Labcorp Genetics (formerly Invitae), Labcorp); PubMed 26188975 (cited by Labcorp Genetics (formerly Invitae), Labcorp); PubMed 9101298 (cited by Laboratory for Molecular Medicine, Mass General Brigham Personalized Medicine); PubMed 17627385 (cited by Laboratory for Molecular Medicine, Mass General Brigham Personalized Medicine).